The following is an entry in ClinVar:

NM_001364905.1(LRBA):c.2251G>A (p.Ala751Thr)

Gene: LRBA (LPS responsive beige-like anchor protein; minus strand). Cytogenetic location: 4q31.3.
Variant type: single nucleotide variant.
Coding change: c.2251G>A on transcript NM_001364905.1 (MANE Select); coding-DNA position 2251, G replaced by A.
Protein change: p.Ala751Thr; replaces alanine 751 with threonine.
Molecular consequence: missense variant.
Genome position (GRCh38, 1-based): chr4:150,872,670, C>T on the plus strand (G>A on the coding strand, the complement: LRBA is on the minus strand). VCF-style: chr4-150872670-C-T. GRCh37 (hg19) VCF-style: chr4-151793822-C-T.
Other names: c.2251G>A, p.Ala751Thr (NM_001199282.3, NM_001367550.1, NM_006726.5); short protein forms A751T.
Identifiers: ClinVar variation 1510832 (VCV001510832.8), dbSNP rs750873540, ClinGen allele CA3103325.

ClinVar aggregate classification (germline): Uncertain significance (1 of 4 stars; one submission).

Conditions:
Combined immunodeficiency due to LRBA deficiency. Also called: Common variable immunodeficiency 8, with autoimmunity. Identifiers: Orphanet 445018, MedGen C3553512, MONDO:0013863, OMIM 614700.

Allele frequency attached by ClinVar (database versions not stated): TOPMed below 0.00001; gnomAD exomes 0.00001 and 0.00002; ExAC 0.00003.
gnomAD v4.1: 21 of 1,603,370 alleles (0.0013%); highest among the groups gnomAD compares: South Asian, 0.014%; no homozygotes.

Submission:

Labcorp Genetics (formerly Invitae), Labcorp
Classification: Uncertain significance for Combined immunodeficiency due to LRBA deficiency. Last evaluated: 2021-02-16. Review status: criteria provided, single submitter. Criteria: Invitae Variant Classification Sherloc (09022015). Collection method: clinical testing. Allele origin: germline.
Comment: This variant has not been reported in the literature in individuals with LRBA-related conditions. This variant is present in population databases (rs750873540, ExAC 0.02%). This sequence change replaces alanine with threonine at codon 751 of the LRBA protein (p.Ala751Thr). The alanine residue is weakly conserved and there is a small physicochemical difference between alanine and threonine. In summary, the available evidence is currently insufficient to determine the role of this variant in disease. Therefore, it has been classified as a Variant of Uncertain Significance. Algorithms developed to predict the effect of missense changes on protein structure and function (SIFT, PolyPhen-2, Align-GVGD) all suggest that this variant is likely to be tolerated, but these predictions have not been confirmed by published functional studies and their clinical significance is uncertain.